The following is an entry in ClinVar:

NM_001904.4(CTNNB1):c.876A>C (p.Lys292Asn)

Gene: CTNNB1 (catenin beta 1; plus strand). Cytogenetic location: 3p22.1.
Variant type: single nucleotide variant.
Coding change: c.876A>C on transcript NM_001904.4 (MANE Select); coding-DNA position 876, A replaced by C.
Protein change: p.Lys292Asn; replaces lysine 292 with asparagine.
Molecular consequence: missense variant.
Genome position (GRCh38, 1-based): chr3:41,225,801, A>C. VCF-style: chr3-41225801-A-C. GRCh37 (hg19) VCF-style: chr3-41267292-A-C.
Other names: c.876A>C, p.Lys292Asn (NM_001098209.2, NM_001098210.2); c.855A>C, p.Lys285Asn (NM_001330729.2); short protein forms K285N, K292N.
Identifiers: ClinVar variation 3062030 (VCV003062030.1), dbSNP rs2125624604, ClinGen allele CA352230348.

ClinVar aggregate classification (germline): Uncertain significance (1 of 4 stars; one submission).

Conditions:
Increased bone mineral density. Also called: Osteosclerosis. Identifiers: MedGen C0029464, MeSH D010026, MONDO:0002933, HP:0011001.

Submission:

SIB Swiss Institute of Bioinformatics
Classification: Uncertain significance for Increased bone mineral density. Last evaluated: 2024-03-18. Review status: criteria provided, single submitter. Criteria: ACMG Guidelines, 2015. Collection method: curation. Allele origin: unknown. Affected: yes.
Comment: This variant is interpreted for a bone disorder with features of osteopathia striata with cranial sclerosis. The following ACMG Tag(s) were applied: Absent from controls (or at extremely low frequency if recessive) in Exome Sequencing Project, 1000 Genomes Project, or Exome Aggregation Consortium (PM2). Missense variant in a gene that has a low rate of benign missense variation and in which missense variants are a common mechanism of disease (PP2).

Literature cited by the submitters: PubMed 38173341.